The following is an entry in ClinVar:

NM_024741.3(ZNF408):c.1901C>T (p.Pro634Leu)

Gene: ZNF408 (zinc finger protein 408; plus strand). Cytogenetic location: 11p11.2.
Variant type: single nucleotide variant.
Coding change: c.1901C>T on transcript NM_024741.3 (MANE Select); coding-DNA position 1901, C replaced by T.
Protein change: p.Pro634Leu; replaces proline 634 with leucine.
Molecular consequence: missense variant.
Genome position (GRCh38, 1-based): chr11:46,705,601, C>T. VCF-style: chr11-46705601-C-T. GRCh37 (hg19) VCF-style: chr11-46727151-C-T.
Other names: c.1877C>T, p.Pro626Leu (NM_001184751.2); short protein forms P626L, P634L.
Identifiers: ClinVar variation 1347098 (VCV001347098.6), dbSNP rs2134511564, ClinGen allele CA380257767.
Genomic context (GRCh38, chr11:46,705,601, plus strand): 5'-TGGGCTACACCCTCCCGCAGAGCCTCAGGCGGCATCAGCTCAGTCACCGGCCTGAGGCAC[C>T]CTGCAGCCCACCCTCTGTGCCTTCTGCTGCTTCTGAGCCCACTGTGGTGCTCCTGCAGGC-3'
Protein context (NP_079017.1, residues 624-644): RHQLSHRPEA[Pro634Leu]CSPPSVPSAA

ClinVar aggregate classification (germline): Uncertain significance (1 of 4 stars; one submission).

Submission:

Labcorp Genetics (formerly Invitae), Labcorp
Classification: Uncertain significance. Last evaluated: 2021-10-25. Review status: criteria provided, single submitter. Criteria: Invitae Variant Classification Sherloc (09022015). Collection method: clinical testing. Allele origin: germline.
Comment: In summary, the available evidence is currently insufficient to determine the role of this variant in disease. Therefore, it has been classified as a Variant of Uncertain Significance. Algorithms developed to predict the effect of missense changes on protein structure and function are either unavailable or do not agree on the potential impact of this missense change (SIFT: "Deleterious"; PolyPhen-2: "Benign"; Align-GVGD: "Class C0"). This variant has not been reported in the literature in individuals affected with ZNF408-related conditions. This variant is not present in population databases (gnomAD no frequency). This sequence change replaces proline, which is neutral and non-polar, with leucine, which is neutral and non-polar, at codon 634 of the ZNF408 protein (p.Pro634Leu).